The following is an entry in ClinVar:

ClinVar aggregate classification (germline): Uncertain significance (1 of 4 stars; one submission).

Submission:

Labcorp Genetics (formerly Invitae), Labcorp
Classification: Uncertain significance. Last evaluated: 2023-05-05. Review status: criteria provided, single submitter. Criteria: Invitae Variant Classification Sherloc (09022015). Collection method: clinical testing. Allele origin: germline.
Comment: This variant, c.390_398del, results in the deletion of 3 amino acid(s) of the HOXA13 protein (p.Ala131_Ala133del), but otherwise preserves the integrity of the reading frame. The frequency data for this variant in the population databases is considered unreliable, as metrics indicate poor data quality at this position in the gnomAD database. This variant has not been reported in the literature in individuals affected with HOXA13-related conditions. Experimental studies and prediction algorithms are not available or were not evaluated, and the functional significance of this variant is currently unknown. In summary, the available evidence is currently insufficient to determine the role of this variant in disease. Therefore, it has been classified as a Variant of Uncertain Significance.

NM_000522.5(HOXA13):c.381CGC[3] (p.Ala131_Ala133del)

Genes: HOXA13 (homeobox A13; minus strand), LOC107126288 (NUP98-HOXA13 recombination region; plus strand). Cytogenetic location: 7p15.2.
Variant type: Microsatellite.
Coding change: c.381CGC[3] on transcript NM_000522.5 (MANE Select); three copies in a row of the 3-base unit CGC starting at c.381; the reference has six copies in a row; three copies, 9 bases deleted.
Protein change: p.Ala131_Ala133del.
Molecular consequence: inframe deletion.
Genome position (GRCh38, 1-based): chr7:27,199,680-27,199,688, GCGGCGGCG deleted on the plus strand (CGCCGCCGC on the coding strand, the reverse complement: HOXA13 is on the minus strand); deleting any 9 consecutive bases within chr7:27,199,680-27,199,699 gives the same sequence; the position shown is the placement nearest the transcript's 3' end. VCF-style (leftmost placement, unchanged base first): chr7-27199679-CGCGGCGGCG-C. GRCh37 (hg19) VCF-style: chr7-27239298-CGCGGCGGCG-C.
Identifiers: ClinVar variation 2070288 (VCV002070288.4), dbSNP rs955237055, ClinGen allele CA573759150.
Genomic context (GRCh38, chr7:27,199,679, plus strand): 5'-GCATTGCTTGGCGGCCTCTGCGCCCGCCGGGCCCGCCGGGCCGGGACCTCCCGAGGACGA[CGCGGCGGCG>C]GCGGCGGCGGCTGCAGCGGCAGCCGCGGCAGCAGCGGCGGCAGCCGACGGGGGCGCCTCC-3'